The following is an entry in ClinVar:

NM_001059.3(TACR3):c.12C>T (p.Leu4=)

Gene: TACR3 (tachykinin receptor 3; minus strand). Cytogenetic location: 4q24.
Variant type: single nucleotide variant.
Coding change: c.12C>T on transcript NM_001059.3 (MANE Select); coding-DNA position 12, C replaced by T.
Protein change: p.Leu4=; no amino-acid change (leucine 4 retained).
Molecular consequence: synonymous variant.
Genome position (GRCh38, 1-based): chr4:103,719,664, G>A on the plus strand (C>T on the coding strand, the complement: TACR3 is on the minus strand). VCF-style: chr4-103719664-G-A. GRCh37 (hg19) VCF-style: chr4-104640821-G-A.
Identifiers: ClinVar variation 2654989 (VCV002654989.24), dbSNP rs2475988490, ClinGen allele CA440646336.

ClinVar aggregate classification (germline): Likely benign (1 of 4 stars; one submission).

Submission:

CeGaT Center for Human Genetics Tuebingen
Classification: Likely benign. Last evaluated: 2022-08-01. Review status: criteria provided, single submitter. Criteria: CeGaT Center For Human Genetics Tuebingen Variant Classification Criteria Version 2. Collection method: clinical testing. Allele origin: germline. Affected: yes. Observed: 1 variant allele.
Comment: TACR3: PM2:Supporting, BP4, BP7